The following is an entry in ClinVar:

NM_001844.5(COL2A1):c.1527+4A>C

Gene: COL2A1 (collagen type II alpha 1 chain; minus strand). Cytogenetic location: 12q13.11.
Variant type: single nucleotide variant.
Coding change: c.1527+4A>C on transcript NM_001844.5 (MANE Select); 4 bases into the intron after coding-DNA position 1527, A replaced by C.
Molecular consequence: intron variant.
Genome position (GRCh38, 1-based): chr12:47,986,332, T>G on the plus strand (A>C on the coding strand, the complement: COL2A1 is on the minus strand). VCF-style: chr12-47986332-T-G. GRCh37 (hg19) VCF-style: chr12-48380115-T-G.
Other names: c.1320+4A>C (NM_033150.3).
Identifiers: ClinVar variation 1311011 (VCV001311011.6), dbSNP rs2136570708, ClinGen allele CA2573053668.

ClinVar aggregate classification (germline): Pathogenic/Likely pathogenic. Review status: criteria provided, multiple submitters, no conflicts (2 of 4 stars). 2 submissions from 2 submitters: Pathogenic (1); Likely pathogenic (1). Last evaluated 2024-01-11.

Submissions (2):

GeneDx
Classification: Likely pathogenic. Last evaluated: 2024-01-11. Review status: criteria provided, single submitter. Criteria: GeneDx Variant Classification Process June 2021. Collection method: clinical testing. Allele origin: germline. Affected: yes.
Comment: Has not been previously published as pathogenic or benign to our knowledge; Not observed at significant frequency in large population cohorts (gnomAD); In silico analysis supports a deleterious effect on splicing

Labcorp Genetics (formerly Invitae), Labcorp
Classification: Pathogenic. Last evaluated: 2024-01-02. Review status: criteria provided, single submitter. Criteria: Invitae Variant Classification Sherloc (09022015). Collection method: clinical testing. Allele origin: germline.
Comment: This sequence change falls in intron 23 of the COL2A1 gene. It does not directly change the encoded amino acid sequence of the COL2A1 protein. It affects a nucleotide within the consensus splice site. This variant is not present in population databases (gnomAD no frequency). This variant has been observed in individual(s) with clinical features of Stickler syndrome (Invitae). In at least one individual the variant was observed to be de novo. ClinVar contains an entry for this variant (Variation ID: 1311011). Variants that disrupt the consensus splice site are a relatively common cause of aberrant splicing (PMID: 17576681, 9536098). Algorithms developed to predict the effect of sequence changes on RNA splicing suggest that this variant may disrupt the consensus splice site. For these reasons, this variant has been classified as Pathogenic.

Literature cited by the submitters: PubMed 17576681 (cited by Labcorp Genetics (formerly Invitae), Labcorp); PubMed 9536098 (cited by Labcorp Genetics (formerly Invitae), Labcorp).